The following is an entry in ClinVar:

NM_024884.3(L2HGDH):c.77C>T (p.Ala26Val)

Genes: DMAC2L (distal membrane arm assembly component 2 like; plus strand), L2HGDH (L-2-hydroxyglutarate dehydrogenase; minus strand). Cytogenetic location: 14q21.3.
Variant type: single nucleotide variant.
Coding change: c.77C>T on transcript NM_024884.3 (MANE Select); coding-DNA position 77, C replaced by T.
Protein change: p.Ala26Val; replaces alanine 26 with valine.
Molecular consequence: missense variant. On other transcripts: 5 prime UTR variant (6), intron variant (1).
Genome position (GRCh38, 1-based): chr14:50,312,074, G>A on the plus strand (C>T on the coding strand, the complement: L2HGDH is on the minus strand). VCF-style: chr14-50312074-G-A. GRCh37 (hg19) VCF-style: chr14-50778792-G-A.
Other names: c.-627C>T (NM_001425217.1); c.-549C>T (NM_001425218.1); c.-6+220G>A (NM_001382509.1); c.77C>T, p.Ala26Val (NM_001425212.1); c.-178C>T (NM_001425213.1, NM_001425214.1); c.-692C>T (NM_001425215.1); c.-534C>T (NM_001425216.1); short protein forms A26V.
Identifiers: ClinVar variation 2191032 (VCV002191032.4), dbSNP rs1391302922, ClinGen allele CA389648822.

ClinVar aggregate classification (germline): Uncertain significance. Review status: criteria provided, multiple submitters, no conflicts (2 of 4 stars). 2 submissions from 2 submitters: Uncertain significance (2). Last evaluated 2025-04-28.

Conditions:
Inborn genetic diseases. Identifiers: MedGen C0950123, MeSH D030342.
L-2-hydroxyglutaric aciduria (L2HGA). Identifiers: Orphanet 79314, MedGen C1855995, MONDO:0009370, OMIM 236792, HP:0040144.

Allele frequency attached by ClinVar (database versions not stated): gnomAD 0.00001; gnomAD exomes below 0.00001; TOPMed 0.00001.
gnomAD v4.1: 4 of 1,601,976 alleles (0.00025%); highest among the groups gnomAD compares: African/African-American, 0.0013%; no homozygotes.

Submissions (2):

Labcorp Genetics (formerly Invitae), Labcorp
Classification: Uncertain significance for L-2-hydroxyglutaric aciduria. Last evaluated: 2025-04-28. Review status: criteria provided, single submitter. Criteria: Invitae Variant Classification Sherloc (09022015). Collection method: clinical testing. Allele origin: germline.
Comment: This sequence change replaces alanine, which is neutral and non-polar, with valine, which is neutral and non-polar, at codon 26 of the L2HGDH protein (p.Ala26Val). This variant is not present in population databases (gnomAD no frequency). This variant has not been reported in the literature in individuals affected with L2HGDH-related conditions. ClinVar contains an entry for this variant (Variation ID: 2191032). Invitae Evidence Modeling of protein sequence and biophysical properties (such as structural, functional, and spatial information, amino acid conservation, physicochemical variation, residue mobility, and thermodynamic stability) indicates that this missense variant is not expected to disrupt L2HGDH protein function with a negative predictive value of 95%. In summary, the available evidence is currently insufficient to determine the role of this variant in disease. Therefore, it has been classified as a Variant of Uncertain Significance.

Ambry Genetics
Classification: Uncertain significance for Inborn genetic diseases. Last evaluated: 2024-02-21. Review status: criteria provided, single submitter. Criteria: Ambry Variant Classification Scheme 2023. Collection method: clinical testing. Allele origin: germline.